The following is an entry in ClinVar:

NM_001130438.3(SPTAN1):c.1719C>A (p.Phe573Leu)

Gene: SPTAN1 (spectrin alpha, non-erythrocytic 1; plus strand). Cytogenetic location: 9q34.11.
Variant type: single nucleotide variant.
Coding change: c.1719C>A on transcript NM_001130438.3 (MANE Select); coding-DNA position 1719, C replaced by A.
Protein change: p.Phe573Leu; replaces phenylalanine 573 with leucine.
Molecular consequence: missense variant.
Genome position (GRCh38, 1-based): chr9:128,582,762, C>A. VCF-style: chr9-128582762-C-A. GRCh37 (hg19) VCF-style: chr9-131345041-C-A.
Other names: c.1719C>A, p.Phe573Leu (NM_001195532.2, NM_001363759.2, NM_001363765.2 and 5 more transcripts); c.1755C>A, p.Phe585Leu (NM_001375312.2, NM_001375318.1); short protein forms F573L, F585L.
Identifiers: ClinVar variation 1716476 (VCV001716476.5), dbSNP rs1852105789, ClinGen allele CA375055029.

ClinVar aggregate classification (germline): Uncertain significance (1 of 4 stars; one submission).

Conditions:
Early-infantile DEE. Also called: Early infantile epileptic encephalopathy with suppression bursts; Early infantile epileptic encephalopathy; Ohtahara syndrome. Identifiers: Orphanet 1934, MedGen C0393706, MONDO:0800491.

Allele frequency attached by ClinVar (database versions not stated): gnomAD exomes below 0.00001.
gnomAD v4.1: 1 of 1,614,096 alleles (0.000062%); highest among the groups gnomAD compares: Non-Finnish European, 0.000085%; no homozygotes.

Submission:

Labcorp Genetics (formerly Invitae), Labcorp
Classification: Uncertain significance for Early-infantile DEE. Last evaluated: 2022-08-15. Review status: criteria provided, single submitter. Criteria: Invitae Variant Classification Sherloc (09022015). Collection method: clinical testing. Allele origin: germline.
Comment: This sequence change replaces phenylalanine, which is neutral and non-polar, with leucine, which is neutral and non-polar, at codon 573 of the SPTAN1 protein (p.Phe573Leu). This variant is not present in population databases (gnomAD no frequency). This variant has not been reported in the literature in individuals affected with SPTAN1-related conditions. Algorithms developed to predict the effect of missense changes on protein structure and function are either unavailable or do not agree on the potential impact of this missense change (SIFT: "Tolerated"; PolyPhen-2: "Possibly Damaging"; Align-GVGD: "Class C0"). In summary, the available evidence is currently insufficient to determine the role of this variant in disease. Therefore, it has been classified as a Variant of Uncertain Significance.